The following is an entry in ClinVar:

NM_006231.4(POLE):c.3229_3241delinsGG (p.Arg1077fs)

Gene: POLE (DNA polymerase epsilon, catalytic subunit; minus strand). Cytogenetic location: 12q24.33.
Variant type: Indel.
Coding change: c.3229_3241delinsGG on transcript NM_006231.4 (MANE Select); coding-DNA positions 3229 to 3241, CGCTACATCATCT replaced by GG.
Protein change: p.Arg1077fs; shifts the reading frame from arginine 1077.
Molecular consequence: frameshift variant.
Genome position (GRCh38, 1-based): chr12:132,659,329-132,659,341, AGATGATGTAGCG replaced by CC on the plus strand (CGCTACATCATCT replaced by GG on the coding strand, the reverse complement: POLE is on the minus strand). VCF-style: chr12-132659329-AGATGATGTAGCG-CC. GRCh37 (hg19) VCF-style: chr12-133235915-AGATGATGTAGCG-CC.
Other names: c.3229_3241del13insGG (NM_006231.2); short protein forms R1077fs.
Identifiers: ClinVar variation 405610 (VCV000405610.4), dbSNP rs1064792919, ClinGen allele CA16613816.

ClinVar aggregate classification (germline): Conflicting classifications of pathogenicity. Review status: criteria provided, conflicting classifications (1 of 4 stars). 2 submissions from 2 submitters: Pathogenic (1); Uncertain significance (1). Last evaluated 2025-05-16.

Conditions:
Hereditary cancer-predisposing syndrome. Also called: Hereditary Cancer Syndrome; Hereditary neoplastic syndrome; Neoplastic Syndromes, Hereditary; Tumor predisposition. Identifiers: Orphanet 140162, MedGen C0027672, MeSH D009386, MONDO:0015356.

Submissions (2):

Ambry Genetics
Classification: Uncertain significance for Hereditary cancer-predisposing syndrome. Last evaluated: 2025-05-16. Review status: criteria provided, single submitter. Criteria: Ambry Variant Classification Scheme 2023. Collection method: clinical testing. Allele origin: germline.
Comment: The c.3229_3241del13insGG variant, located in coding exon 26 of the POLE gene, results from the deletion of 13 nucleotides and insertion of two nucleotides causing a translational frameshift with a predicted alternate stop codon (p.R1077Gfs*43). This alteration is expected to result in loss of function by premature protein truncation or nonsense-mediated mRNA decay. Although biallelic loss of function of POLE has been associated with autosomal recessive POLE deficiency, haploinsufficiency of POLE has not been established as a mechanism of disease for POLE-related polymerase proofreading-associated polyposis (PPAP) and POLE-related CMMRD-like syndrome. Based on the supporting evidence, this variant is expected to be causative of POLE deficiency when present along with a second pathogenic variant on the other allele; however, its clinical significance for PPAP and POLE-related CMMRD-like syndrome is unclear.

Labcorp Genetics (formerly Invitae), Labcorp
Classification: Pathogenic. Last evaluated: 2022-05-27. Review status: criteria provided, single submitter. Criteria: Invitae Variant Classification Sherloc (09022015). Collection method: clinical testing. Allele origin: germline.
Comment: This sequence change creates a premature translational stop signal (p.Arg1077Glyfs*43) in the POLE gene. It is expected to result in an absent or disrupted protein product. Loss-of-function variants in POLE are known to be pathogenic (PMID: 23230001, 25948378, 30503519). This variant is present in population databases (rs763470055, gnomAD 0.01%). For these reasons, this variant has been classified as Pathogenic. This premature translational stop signal has been observed in individual(s) with hepatocellular carcinoma (PMID: 29625052).

Literature cited by the submitters: PubMed 23230001 (cited by Labcorp Genetics (formerly Invitae), Labcorp); PubMed 25948378 (cited by Labcorp Genetics (formerly Invitae), Labcorp); PubMed 30503519 (cited by Labcorp Genetics (formerly Invitae), Labcorp); PubMed 29625052 (cited by Labcorp Genetics (formerly Invitae), Labcorp).